The following is an entry in ClinVar:

ClinVar aggregate classification (germline): Uncertain significance (1 of 4 stars; one submission).

Conditions:
Ethylmalonic encephalopathy (EE). Also called: Syndrome of encephalopathy, petechiae, and ethylmalonic aciduria; EPEMA syndrome; Encephalopathy, petechiae, and ethylmalonic aciduria. Identifiers: Orphanet 51188, MedGen C1865349, MONDO:0011229, OMIM 602473. Disease mechanism: loss of function.

Allele frequency attached by ClinVar (database versions not stated): gnomAD exomes below 0.00001; TOPMed 0.00001.

Submission:

Labcorp Genetics (formerly Invitae), Labcorp
Classification: Uncertain significance for Ethylmalonic encephalopathy. Last evaluated: 2021-09-02. Review status: criteria provided, single submitter. Criteria: Invitae Variant Classification Sherloc (09022015). Collection method: clinical testing. Allele origin: germline.
Comment: This sequence change replaces histidine with tyrosine at codon 113 of the ETHE1 protein (p.His113Tyr). The histidine residue is moderately conserved and there is a moderate physicochemical difference between histidine and tyrosine. This variant is not present in population databases (ExAC no frequency). This variant has not been reported in the literature in individuals affected with ETHE1-related conditions. Advanced modeling of protein sequence and biophysical properties (such as structural, functional, and spatial information, amino acid conservation, physicochemical variation, residue mobility, and thermodynamic stability) performed at Invitae indicates that this missense variant is not expected to disrupt ETHE1 protein function. In summary, the available evidence is currently insufficient to determine the role of this variant in disease. Therefore, it has been classified as a Variant of Uncertain Significance.

NM_014297.5(ETHE1):c.337C>T (p.His113Tyr)

Gene: ETHE1 (ETHE1 persulfide dioxygenase; minus strand). Cytogenetic location: 19q13.31.
Variant type: single nucleotide variant.
Coding change: c.337C>T on transcript NM_014297.5 (MANE Select); coding-DNA position 337, C replaced by T.
Protein change: p.His113Tyr; replaces histidine 113 with tyrosine.
Molecular consequence: missense variant. On other transcripts: intron variant (2).
Genome position (GRCh38, 1-based): chr19:43,526,239, G>A on the plus strand (C>T on the coding strand, the complement: ETHE1 is on the minus strand). VCF-style: chr19-43526239-G-A. GRCh37 (hg19) VCF-style: chr19-44030391-G-A.
Other names: c.304C>T, p.His102Tyr (NM_001320867.2); c.81+858C>T (NM_001320869.2); c.6+276C>T (NM_001320868.2); short protein forms H102Y, H113Y.
Identifiers: ClinVar variation 1490315 (VCV001490315.5), dbSNP rs1167625576, ClinGen allele CA406179078.